The following is an entry in ClinVar:

NM_000404.4(GLB1):c.446C>T (p.Ser149Phe)

Gene: GLB1 (galactosidase beta 1; minus strand). Cytogenetic location: 3p22.3.
Variant type: single nucleotide variant.
Coding change: c.446C>T on transcript NM_000404.4 (MANE Select); coding-DNA position 446, C replaced by T.
Protein change: p.Ser149Phe; replaces serine 149 with phenylalanine.
Molecular consequence: missense variant. On other transcripts: intron variant (1).
Genome position (GRCh38, 1-based): chr3:33,068,241, G>A on the plus strand (C>T on the coding strand, the complement: GLB1 is on the minus strand). VCF-style: chr3-33068241-G-A. GRCh37 (hg19) VCF-style: chr3-33109733-G-A.
Other names: c.356C>T, p.Ser119Phe (NM_001079811.3); c.590C>T, p.Ser197Phe (NM_001317040.2); c.446C>T, p.Ser149Phe (NM_001393580.1); c.246-2684C>T (NM_001135602.3); short protein forms S149F, S119F, S197F.
Identifiers: ClinVar variation 553205 (VCV000553205.13), dbSNP rs778700089, ClinGen allele CA2299701.

ClinVar aggregate classification (germline): Pathogenic/Likely pathogenic. Review status: criteria provided, multiple submitters, no conflicts (2 of 4 stars). 6 submissions from 6 submitters: Pathogenic (3); Likely pathogenic (2). 1 of the submissions does not count toward it. Last evaluated 2025-05-23.

Conditions:
GM1 gangliosidosis type 3. Also called: GANGLIOSIDOSIS, GENERALIZED GM1, ADULT TYPE; GANGLIOSIDOSIS, GENERALIZED GM1, CHRONIC TYPE; GANGLIOSIDOSIS, GENERALIZED GM1, TYPE III; GM1-GANGLIOSIDOSIS, TYPE III; Beta-galactosidase deficiency; Adult GM1 gangliosidosis. Identifiers: Orphanet 79257, MedGen C0268273, MONDO:0009262, OMIM 230650.
GM1 gangliosidosis type 2. Also called: GANGLIOSIDOSIS, GENERALIZED GM1, JUVENILE TYPE; GANGLIOSIDOSIS, GENERALIZED GM1, TYPE II; GM1-GANGLIOSIDOSIS, TYPE II; Juvenile GM>1< gangliosidosis; Gangliosidosis, Generalized GM1, Type 2. Identifiers: Orphanet 354, Orphanet 79256, MedGen C0268272, MONDO:0009261, OMIM 230600.
Infantile GM1 gangliosidosis. Also called: GM1 gangliosidosis type 1; GM1-gangliosidosis, type I; Gangliosidosis, generalized GM1, infantile form; GLB1 deficiency; Gangliosidosis, Generalized GM1, Type 1. Identifiers: Orphanet 354, Orphanet 79255, MedGen C0268271, MONDO:0009260, OMIM 230500.
Mucopolysaccharidosis, MPS-IV-B (MPS4B). Also called: Mucopolysaccharidosis type 4B; Mucopolysaccharidosis Type IVB (Morquio B Disease); MORQUIO SYNDROME B; Mucopolysaccharidosis type IVB (Morquio); MPS IVB; Mucopolysaccharidosis type IV B. Identifiers: Orphanet 309310, Orphanet 582, MedGen C0086652, MONDO:0009660, OMIM 253010.
GLB1-related disorder. Also called: GLB1-related disorders. Identifiers: MedGen CN377807.
GM1 gangliosidosis. Identifiers: Orphanet 354, MedGen C0085131, MONDO:0018149.

Allele frequency attached by ClinVar (database versions not stated): gnomAD exomes below 0.00001 and 0.00001; TOPMed below 0.00001; ExAC 0.00001.
gnomAD v4.1: 4 of 1,614,046 alleles (0.00025%); highest among the groups gnomAD compares: East Asian, 0.0045%; no homozygotes.

Submissions (6):

Myriad Genetics, Inc.
Classification: Likely pathogenic for GLB1-related disorder. Last evaluated: 2025-05-23. Review status: criteria provided, single submitter. Criteria: Myriad Autosomal Dominant, Autosomal Recessive and X-Linked Classification Criteria (2023). Collection method: clinical testing. Allele origin: unknown.
Comment: NM_000404.2(GLB1):c.446C>T(S149F) is a missense variant classified as likely pathogenic in the context of GLB1-related disorders. S149F has been observed in cases with relevant disease (PMID: 30675867, 30267299, 29451896). Relevant functional assessments of this variant are available in the literature (PMID: 19472408). S149F has been observed in referenced population frequency databases. In summary, NM_000404.2(GLB1):c.446C>T(S149F) is a missense variant that has functional support for pathogenicity and has been observed more frequently in cases with the relevant disease than in healthy populations. Please note: this variant was assessed in the context of healthy population screening.

Women's Health and Genetics/Laboratory Corporation of America, LabCorp
Classification: Pathogenic for Mucopolysaccharidosis, MPS-IV-B. Last evaluated: 2025-04-03. Review status: criteria provided, single submitter. Criteria: LabCorp Variant Classification Summary - May 2015. Collection method: clinical testing. Allele origin: germline.
Comment: Variant summary: GLB1 c.446C>T (p.Ser149Phe) results in a non-conservative amino acid change in the encoded protein sequence. Five of five in-silico tools predict a damaging effect of the variant on protein function. The variant allele was found at a frequency of 8e-06 in 249264 control chromosomes. c.446C>T has been reported in the literature in individuals affected with Mucopolysaccharidosis Type IVB (Morquio Syndrome B) (Feng_2018, Hofer_2009). These data indicate that the variant is likely to be associated with disease. At least one publication reports experimental evidence evaluating an impact on protein function. The most pronounced variant effect results in <10% of normal activity (Hofer_2009). The following publications have been ascertained in the context of this evaluation (PMID: 30267299, 19472408). ClinVar contains an entry for this variant (Variation ID: 553205). Based on the evidence outlined above, the variant was classified as pathogenic.

Natera, Inc.
Classification: Likely pathogenic for Mucopolysaccharidosis, MPS-IV-B. Last evaluated: 2024-06-15. Review status: criteria provided, single submitter. Criteria: Natera Variant Classification Schema (03/2026). Collection method: clinical testing. Allele origin: germline.
Comment: The c.446C>T variant in GLB1 is a missense variant predicted to cause substitution of serine to phenylalanine at amino acid 149. This variant is rare in the general population with a frequency below the threshold expected for the associated phenotype(s). This variant has been observed in one or more individuals affected with the associated recessive disease, as either homozygous or compound heterozygous with a second variant (PMID: 19472408, 29451896, 30267299, 30675867). Computational prediction algorithms indicate this variant is likely to affect gene or protein function. Given the available evidence, this variant is classified as Likely Pathogenic.

Labcorp Genetics (formerly Invitae), Labcorp
Classification: Pathogenic for Mucopolysaccharidosis, MPS-IV-B; GM1 gangliosidosis. Last evaluated: 2023-09-10. Review status: criteria provided, single submitter. Criteria: Invitae Variant Classification Sherloc (09022015). Collection method: clinical testing. Allele origin: germline.
Comment: For these reasons, this variant has been classified as Pathogenic. Experimental studies have shown that this missense change affects GLB1 function (PMID: 19472408). Advanced modeling of protein sequence and biophysical properties (such as structural, functional, and spatial information, amino acid conservation, physicochemical variation, residue mobility, and thermodynamic stability) performed at Invitae indicates that this missense variant is expected to disrupt GLB1 protein function. ClinVar contains an entry for this variant (Variation ID: 553205). This missense change has been observed in individual(s) with GM1 gangliosidosis (PMID: 19472408, 29451896, 30267299, 30675867). In at least one individual the data is consistent with being in trans (on the opposite chromosome) from a pathogenic variant. This variant is present in population databases (rs778700089, gnomAD 0.006%). This sequence change replaces serine, which is neutral and polar, with phenylalanine, which is neutral and non-polar, at codon 149 of the GLB1 protein (p.Ser149Phe).

Baylor Genetics
Classification: Pathogenic for GM1 gangliosidosis type 2. Last evaluated: 2017-09-01. Review status: criteria provided, single submitter. Criteria: ACMG Guidelines, 2015. Collection method: clinical testing. Allele origin: germline. Inheritance: Autosomal recessive inheritance. Affected: yes.

Counsyl
Classification: Uncertain significance for Infantile GM1 gangliosidosis; GM1 gangliosidosis type 2; GM1 gangliosidosis type 3; Mucopolysaccharidosis, MPS-IV-B. Last evaluated: 2017-08-07. Review status: no assertion criteria provided. Collection method: clinical testing. Allele origin: unknown. Not counted in ClinVar's aggregate classification.

Literature cited by the submitters: PubMed 19472408 (cited by 6 submitters); PubMed 29451896 (cited by 3 submitters); PubMed 30267299 (cited by 4 submitters); PubMed 30675867 (cited by 3 submitters); PubMed 25326635 (cited by Baylor Genetics).